The following is an entry in ClinVar:

NM_001267550.2(TTN):c.53717A>G (p.Lys17906Arg)

Genes: TTN-AS1 (TTN antisense RNA 1; plus strand), TTN (titin; minus strand). Cytogenetic location: 2q31.2.
Variant type: single nucleotide variant.
Coding change: c.53717A>G on transcript NM_001267550.2 (MANE Select); coding-DNA position 53717, A replaced by G.
Protein change: p.Lys17906Arg; replaces lysine 17906 with arginine.
Molecular consequence: missense variant.
Genome position (GRCh38, 1-based): chr2:178,605,578, T>C on the plus strand (A>G on the coding strand, the complement: TTN is on the minus strand). VCF-style: chr2-178605578-T-C. GRCh37 (hg19) VCF-style: chr2-179470305-T-C.
Other names: c.48794A>G, p.Lys16265Arg (NM_001256850.1); c.46013A>G, p.Lys15338Arg (NM_133378.4); c.26522A>G, p.Lys8841Arg (NM_003319.4); c.26897A>G, p.Lys8966Arg (NM_133432.3); c.27098A>G, p.Lys9033Arg (NM_133437.4); short protein forms K15338R, K17906R, K16265R, K8841R, K8966R, K9033R.
Identifiers: ClinVar variation 165983 (VCV000165983.14), dbSNP rs727503606, ClinGen allele CA178753.

ClinVar aggregate classification (germline): Conflicting classifications of pathogenicity. Review status: criteria provided, conflicting classifications (1 of 4 stars). 5 submissions from 5 submitters: Uncertain significance (4); Likely benign (1). Last evaluated 2026-01-01.

Conditions:
TTN-related disorder. Also called: TTN-related disorders; TTN-related condition; TTN-related disease.

Allele frequency attached by ClinVar (database versions not stated): ExAC 0.00001; gnomAD 0.00001; gnomAD exomes 0.00001; TOPMed 0.00002.

Submissions (5):

CeGaT Center for Human Genetics Tuebingen
Classification: Uncertain significance. Last evaluated: 2026-01-01. Review status: criteria provided, single submitter. Criteria: CeGaT Center For Human Genetics Tuebingen Variant Classification Criteria Version 2. Collection method: clinical testing. Allele origin: germline. Affected: yes. Observed: 2 variant alleles.
Comment: TTN: PM2, BP4

PreventionGenetics, part of Exact Sciences
Classification: Uncertain significance for TTN-related condition. Last evaluated: 2025-07-09. Review status: criteria provided, single submitter. Criteria: ACMG Guidelines, 2015. Collection method: clinical testing. Allele origin: germline.
Comment: The TTN c.53717A>G variant is predicted to result in the amino acid substitution p.Lys17906Arg. This variant has been reported in an individual with left ventricular noncompaction cardiomyopathy (Table S2, Mazzarotto et al. 2021. PubMed ID: 33500567). This variant is reported in 0.0018% of alleles in individuals of European (Non-Finnish) descent in gnomAD. At this time, the clinical significance of this variant is uncertain due to the absence of conclusive functional and genetic evidence.

Revvity Omics, Revvity
Classification: Uncertain significance. Last evaluated: 2024-12-16. Review status: criteria provided, single submitter. Criteria: ACMG Guidelines, 2015. Collection method: clinical testing. Allele origin: germline.

GeneDx
Classification: Likely benign. Last evaluated: 2017-08-01. Review status: criteria provided, single submitter. Criteria: GeneDx Variant Classification (06012015). Collection method: clinical testing. Allele origin: germline. Affected: yes.
Comment: This variant is considered likely benign or benign based on one or more of the following criteria: it is a conservative change, it occurs at a poorly conserved position in the protein, it is predicted to be benign by multiple in silico algorithms, and/or has population frequency not consistent with disease.

Laboratory for Molecular Medicine, Mass General Brigham Personalized Medicine
Classification: Uncertain significance. Last evaluated: 2015-01-20. Review status: criteria provided, single submitter. Criteria: LMM Criteria. Collection method: clinical testing. Allele origin: germline. Observed: 2 variant alleles.
Comment: The p.Lys15338Arg variant in TTN has not been previously reported in individuals with cardiomyopathy, but has been identified in 1/66652 European chromosomes by the Exome Aggregation Consortium (ExAC). Comput ational prediction tools and conservation analysis suggest that the variant may not impact the protein, though this information is not predictive enough to rule out pathogenicity. In summary, the clinical significance of the p.Lys15338Arg v ariant is uncertain.